The following is an entry in ClinVar:

ClinVar aggregate classification (germline): Uncertain significance. Review status: criteria provided, multiple submitters, no conflicts (2 of 4 stars). 3 submissions from 3 submitters: Uncertain significance (2). 1 of the submissions does not count toward it. Last evaluated 2025-07-02.

Conditions:
HEMOGLOBIN UBE-2.

Submissions (3):

Quest Diagnostics Nichols Institute San Juan Capistrano
Classification: Uncertain significance. Last evaluated: 2025-07-02. Review status: criteria provided, single submitter. Criteria: Quest Diagnostics criteria. Collection method: clinical testing. Allele origin: unknown.
Comment: The HBA1 c.205A>G (p.Asn69Asp) variant has been reported in the published literature in individuals from Taiwan, China, Turkey and Belgium (PMID: 11939522 (2002), 10722118 (2009), 6469696 (1984), 24985555 (2014)). This variant is described in an online database as resulting in normal oxygen affinity and normal relative stability (HbVar). This variant has not been reported in large, multi-ethnic general populations (Genome Aggregation Database). Analysis of this variant using bioinformatics tools for the prediction of the effect of amino acid changes on protein structure and function yielded conflicting predictions that this variant is deleterious or benign. Based on the available information, we are unable to determine the clinical significance of this variant.

Women's Health and Genetics/Laboratory Corporation of America, LabCorp
Classification: Uncertain significance. Last evaluated: 2025-06-05. Review status: criteria provided, single submitter. Criteria: LabCorp Variant Classification Summary - May 2015. Collection method: clinical testing. Allele origin: germline.
Comment: Variant summary: HBA1 c.205A>G (p.Asn69Asp) results in a conservative amino acid change located in the Globin domain (IPR000971) of the encoded protein sequence. Algorithms developed to predict the effect of missense changes on protein structure and function all suggest that this variant is likely to be tolerated. The variant was absent in 136744 control chromosomes. The available data on variant occurrences in the general population are insufficient to allow any conclusion about variant significance. c.205A>G (also known as Hb Ube 2) has been reported in the literature as in multiple individuals without evidence of cosegregation with disease (e.g. Miyaji_1967, Bilginer_1984, Shin_2002, Lou_2014). These reports do not provide unequivocal conclusions about association of the variant with Alpha Thalassemia. At least one publication reports experimental evidence evaluating an impact on protein function, finding no effect of the variant on oxygen affinity, Bohr effect, or heme heme interaction (Imai_1970). The following publications have been ascertained in the context of this evaluation (PMID: 6035181, 6469696, 5416123, 11939522, 24985555). ClinVar contains an entry for this variant (Variation ID: 15831). Based on the evidence outlined above, the variant was classified as uncertain significance.

OMIM
Classification: other for HEMOGLOBIN UBE-2. Last evaluated: 2016-07-20. Review status: no assertion criteria provided. Collection method: literature only. Allele origin: germline. Not counted in ClinVar's aggregate classification.

Literature cited by the submitters: PubMed 11939522 (cited by 3 submitters); PubMed 10722118 (cited by Quest Diagnostics Nichols Institute San Juan Capistrano and OMIM); PubMed 6469696 (cited by 3 submitters); PubMed 6035181 (cited by 3 submitters); PubMed 24985555 (cited by Quest Diagnostics Nichols Institute San Juan Capistrano and Women's Health and Genetics/Laboratory Corporation of America, LabCorp); PubMed 5416123 (cited by Women's Health and Genetics/Laboratory Corporation of America, LabCorp).

NM_000558.5(HBA1):c.205A>G (p.Asn69Asp)

Genes: HBA1 (hemoglobin subunit alpha 1; plus strand), LOC106804613 (hemoglobin subunit alpha 1 recombination region; plus strand). Cytogenetic location: 16p13.3.
Variant type: single nucleotide variant.
Coding change: c.205A>G on transcript NM_000558.5 (MANE Select); coding-DNA position 205, A replaced by G.
Protein change: p.Asn69Asp; replaces asparagine 69 with aspartic acid.
Molecular consequence: missense variant.
Genome position (GRCh38, 1-based): chr16:177,038, A>G. VCF-style: chr16-177038-A-G. GRCh37 (hg19) VCF-style: chr16-227037-A-G.
Other names: N68D; short protein forms N69D.
Identifiers: ClinVar variation 15831 (VCV000015831.7), dbSNP rs34823698, ClinGen allele CA125919.